The following is an entry in ClinVar:

NM_182760.4(SUMF1):c.641C>T (p.Ala214Val)

Gene: SUMF1 (sulfatase modifying factor 1; minus strand). Cytogenetic location: 3p26.1.
Variant type: single nucleotide variant.
Coding change: c.641C>T on transcript NM_182760.4 (MANE Select); coding-DNA position 641, C replaced by T.
Protein change: p.Ala214Val; replaces alanine 214 with valine.
Molecular consequence: missense variant.
Genome position (GRCh38, 1-based): chr3:4,418,094, G>A on the plus strand (C>T on the coding strand, the complement: SUMF1 is on the minus strand). VCF-style: chr3-4418094-G-A. GRCh37 (hg19) VCF-style: chr3-4459778-G-A.
Other names: c.566C>T, p.Ala189Val (NM_001164674.2); c.641C>T, p.Ala214Val (NM_001164675.2); c.641C>T (NM_182760.3); short protein forms A189V, A214V.
Identifiers: ClinVar variation 1355412 (VCV001355412.6), dbSNP rs367628085, ClinGen allele CA2230512.

ClinVar aggregate classification (germline): Uncertain significance. Review status: criteria provided, multiple submitters, no conflicts (2 of 4 stars). 2 submissions from 2 submitters: Uncertain significance (2). Last evaluated 2022-03-13.

Conditions:
Inborn genetic diseases. Identifiers: MedGen C0950123, MeSH D030342.
Multiple sulfatase deficiency (MSD). Also called: Mucosulfatidosis; Multiple Sulfatase Deficiency Disease; Sulfatidosis, Juvenile, Austin Type. Identifiers: Orphanet 585, MedGen C0268263, MONDO:0010088, OMIM 272200.

Allele frequency attached by ClinVar (database versions not stated): gnomAD exomes 0.00001 and 0.00003; ExAC 0.00004; ESP Exome Variant Server 0.00015.
gnomAD v4.1: 13 of 1,613,924 alleles (0.00081%); highest among the groups gnomAD compares: East Asian, 0.0045%; no homozygotes.

Submissions (2):

Labcorp Genetics (formerly Invitae), Labcorp
Classification: Uncertain significance for Multiple sulfatase deficiency. Last evaluated: 2022-03-13. Review status: criteria provided, single submitter. Criteria: Invitae Variant Classification Sherloc (09022015). Collection method: clinical testing. Allele origin: germline.
Comment: This sequence change replaces alanine, which is neutral and non-polar, with valine, which is neutral and non-polar, at codon 214 of the SUMF1 protein (p.Ala214Val). This variant is present in population databases (rs367628085, gnomAD 0.02%). This variant has not been reported in the literature in individuals affected with SUMF1-related conditions. Algorithms developed to predict the effect of missense changes on protein structure and function (SIFT, PolyPhen-2, Align-GVGD) all suggest that this variant is likely to be disruptive. In summary, the available evidence is currently insufficient to determine the role of this variant in disease. Therefore, it has been classified as a Variant of Uncertain Significance.

Ambry Genetics
Classification: Uncertain significance for Inborn genetic diseases. Last evaluated: 2021-05-19. Review status: criteria provided, single submitter. Criteria: Ambry Variant Classification Scheme 2023. Collection method: clinical testing. Allele origin: germline.